The following is an entry in ClinVar:

NM_004006.3(DMD):c.2716T>A (p.Phe906Ile)

Gene: DMD (dystrophin; minus strand). Cytogenetic location: Xp21.1.
Variant type: single nucleotide variant.
Coding change: c.2716T>A on transcript NM_004006.3 (MANE Select); coding-DNA position 2716, T replaced by A.
Protein change: p.Phe906Ile; replaces phenylalanine 906 with isoleucine.
Molecular consequence: missense variant.
Genome position (GRCh38, 1-based): chrX:32,485,006, A>T on the plus strand (T>A on the coding strand, the complement: DMD is on the minus strand). VCF-style: chrX-32485006-A-T. GRCh37 (hg19) VCF-style: chrX-32503123-A-T.
Other names: c.2692T>A, p.Phe898Ile (NM_000109.4); c.2704T>A, p.Phe902Ile (NM_004009.3); c.2347T>A, p.Phe783Ile (NM_004010.3); short protein forms F906I, F902I, F898I, F783I.
Identifiers: ClinVar variation 2769567 (VCV002769567.3), dbSNP rs2524914324, ClinGen allele CA412670817.
Genomic context (GRCh38, chrX:32,485,006, plus strand): 5'-GCACATCAGAAAAGACTTGCTTAAAATGATTTGTAAAGGCCACAAAGTCTGCATCCAGGA[A>T]CATGGGTCCTTGTCCTTTCTCTTTCAGGGCTATGCTTTGAATTTTTAATCGTTCAATTTG-3'
Protein context (NP_003997.2, residues 896-916): ALKEKGQGPM[Phe906Ile]LDADFVAFTN

ClinVar aggregate classification (germline): Uncertain significance (1 of 4 stars; one submission).

Conditions:
Duchenne muscular dystrophy (DMD). Also called: MUSCULAR DYSTROPHY, PSEUDOHYPERTROPHIC PROGRESSIVE, DUCHENNE TYPE; Duchenne Muscular Dystrophy (DMD). Identifiers: Orphanet 98896, MedGen C0013264, MONDO:0010679, OMIM 310200.

Submission:

Labcorp Genetics (formerly Invitae), Labcorp
Classification: Uncertain significance for Duchenne muscular dystrophy. Last evaluated: 2023-10-17. Review status: criteria provided, single submitter. Criteria: Invitae Variant Classification Sherloc (09022015). Collection method: clinical testing. Allele origin: germline.
Comment: This sequence change replaces phenylalanine, which is neutral and non-polar, with isoleucine, which is neutral and non-polar, at codon 906 of the DMD protein (p.Phe906Ile). This variant is not present in population databases (gnomAD no frequency). This variant has not been reported in the literature in individuals affected with DMD-related conditions. Advanced modeling of protein sequence and biophysical properties (such as structural, functional, and spatial information, amino acid conservation, physicochemical variation, residue mobility, and thermodynamic stability) performed at Invitae indicates that this missense variant is not expected to disrupt DMD protein function. In summary, the available evidence is currently insufficient to determine the role of this variant in disease. Therefore, it has been classified as a Variant of Uncertain Significance.